The following is an entry in ClinVar:

ClinVar aggregate classification (germline): Uncertain significance (1 of 4 stars; one submission).

Conditions:
Aicardi-Goutieres syndrome 2. Identifiers: Orphanet 51, MedGen C3489724, MONDO:0012429, OMIM 610181.

Allele frequency attached by ClinVar (database versions not stated): gnomAD exomes below 0.00001 and 0.00001; ExAC 0.00001; TOPMed 0.00001; gnomAD 0.00003; 1000 Genomes Project 0.00020; 1000 Genomes Project 30x 0.00031.
gnomAD v4.1: 15 of 1,613,414 alleles (0.00093%); highest among the groups gnomAD compares: Non-Finnish European, 0.0013%; no homozygotes.

Submission:

Labcorp Genetics (formerly Invitae), Labcorp
Classification: Uncertain significance for Aicardi-Goutieres syndrome 2. Last evaluated: 2021-09-01. Review status: criteria provided, single submitter. Criteria: Invitae Variant Classification Sherloc (09022015). Collection method: clinical testing. Allele origin: germline.
Comment: This sequence change replaces lysine with threonine at codon 136 of the RNASEH2B protein (p.Lys136Thr). The lysine residue is moderately conserved and there is a moderate physicochemical difference between lysine and threonine. This variant is present in population databases (rs199935006, ExAC 0.002%). This variant has not been reported in the literature in individuals affected with RNASEH2B-related conditions. Algorithms developed to predict the effect of missense changes on protein structure and function (SIFT, PolyPhen-2, Align-GVGD) all suggest that this variant is likely to be tolerated. In summary, the available evidence is currently insufficient to determine the role of this variant in disease. Therefore, it has been classified as a Variant of Uncertain Significance.

NM_024570.4(RNASEH2B):c.407A>C (p.Lys136Thr)

Gene: RNASEH2B (ribonuclease H2 subunit B; plus strand). Cytogenetic location: 13q14.3.
Variant type: single nucleotide variant.
Coding change: c.407A>C on transcript NM_024570.4 (MANE Select); coding-DNA position 407, A replaced by C.
Protein change: p.Lys136Thr; replaces lysine 136 with threonine.
Molecular consequence: missense variant.
Genome position (GRCh38, 1-based): chr13:50,934,970, A>C. VCF-style: chr13-50934970-A-C. GRCh37 (hg19) VCF-style: chr13-51509106-A-C.
Other names: c.407A>C, p.Lys136Thr (NM_001142279.2); short protein forms K136T.
Identifiers: ClinVar variation 1380776 (VCV001380776.5), dbSNP rs199935006, ClinGen allele CA6985559.